The following is an entry in ClinVar:

ClinVar aggregate classification (germline): Uncertain significance (1 of 4 stars; one submission).

Allele frequency attached by ClinVar (database versions not stated): TOPMed below 0.00001.

Submission:

GeneDx
Classification: Uncertain significance. Last evaluated: 2019-11-01. Review status: criteria provided, single submitter. Criteria: GeneDx Variant Classification Process June 2021. Collection method: clinical testing. Allele origin: germline. Affected: yes.
Comment: Not observed in large population cohorts (Lek et al., 2016); In silico analysis, which includes splice predictors and evolutionary conservation, supports a deleterious effect; Has not been previously published as pathogenic or benign to our knowledge

NM_001854.4(COL11A1):c.781-5T>G

Gene: COL11A1 (collagen type XI alpha 1 chain; minus strand). Cytogenetic location: 1p21.1.
Variant type: single nucleotide variant.
Coding change: c.781-5T>G on transcript NM_001854.4 (MANE Select); 5 bases into the intron before coding-DNA position 781, T replaced by G.
Molecular consequence: intron variant.
Genome position (GRCh38, 1-based): chr1:103,026,337, A>C on the plus strand (T>G on the coding strand, the complement: COL11A1 is on the minus strand). VCF-style: chr1-103026337-A-C. GRCh37 (hg19) VCF-style: chr1-103491893-A-C.
Other names: c.781-724T>G (NM_001190709.2); c.781-385T>G (NM_080629.3); c.781-5T>G (NM_080630.4).
Identifiers: ClinVar variation 1309610 (VCV001309610.2), dbSNP rs1667517373, ClinGen allele CA1185292494.